The following is an entry in ClinVar:

ClinVar aggregate classification (germline): Benign/Likely benign. Review status: criteria provided, multiple submitters, no conflicts (2 of 4 stars). 5 submissions from 5 submitters: Benign (4); Likely benign (1). Last evaluated 2025-02-11.

Allele frequency attached by ClinVar (database versions not stated): gnomAD exomes 0.00020 and 0.00043; ExAC 0.00060; ESP Exome Variant Server 0.00154; TOPMed 0.00213; gnomAD 0.00216 and 0.00227; 1000 Genomes Project 0.00280; 1000 Genomes Project 30x 0.00297.
gnomAD v4.1: 636 of 1,612,694 alleles (0.039%); highest among the groups gnomAD compares: African/African-American, 0.73%; 4 homozygotes.

Submissions (5):

Mayo Clinic Laboratories, Mayo Clinic
Classification: Benign. Last evaluated: 2025-02-11. Review status: criteria provided, single submitter. Criteria: ACMG Guidelines, 2015. Collection method: clinical testing. Allele origin: germline. Observed: 2 variant alleles.
Comment: BS1, BS2, BP4, BP7

Athena Diagnostics
Classification: Benign. Last evaluated: 2024-09-27. Review status: criteria provided, single submitter. Criteria: Athena Diagnostics Criteria. Collection method: clinical testing. Allele origin: unknown.

Blueprint Genetics
Classification: Likely benign. Last evaluated: 2024-07-19. Review status: criteria provided, single submitter. Criteria: ACMG Guidelines, 2015. Collection method: clinical testing. Allele origin: germline.

Labcorp Genetics (formerly Invitae), Labcorp
Classification: Benign. Last evaluated: 2019-12-31. Review status: criteria provided, single submitter. Criteria: Invitae Variant Classification Sherloc (09022015). Collection method: clinical testing. Allele origin: germline.

Breakthrough Genomics
Classification: Benign. Review status: criteria provided, single submitter. Criteria: ACMG Guidelines, 2015. Collection method: not provided. Allele origin: germline. Inheritance: Autosomal recessive inheritance. Affected: yes.

NM_018319.4(TDP1):c.1536C>T (p.Val512=)

Gene: TDP1 (tyrosyl-DNA phosphodiesterase 1; plus strand). Cytogenetic location: 14q32.11.
Variant type: single nucleotide variant.
Coding change: c.1536C>T on transcript NM_018319.4 (MANE Select); coding-DNA position 1536, C replaced by T.
Protein change: p.Val512=; no amino-acid change (valine 512 retained).
Molecular consequence: synonymous variant.
Genome position (GRCh38, 1-based): chr14:89,993,478, C>T. VCF-style: chr14-89993478-C-T. GRCh37 (hg19) VCF-style: chr14-90459822-C-T.
Other names: p.Val512=; c.1536C>T, p.Val512= (NM_001008744.2, NM_001330205.2).
Identifiers: ClinVar variation 716009 (VCV000716009.9), dbSNP rs147837596, ClinGen allele CA7303982.
Genomic context (GRCh38, chr14:89,993,478, plus strand): 5'-ACATATTAAGACATATATGAGGCCTTCTCCAGACTTCAGTAAAATTGCTTGGTTCCTTGT[C>T]ACAAGGTAAATAGTCCTTACATTCCTGATGGGAGAAATCTTTTTAATGTGTTCATAATTC-3'
Protein context (NP_060789.2, residues 502-522): PDFSKIAWFL[Val512=]TSANLSKAAW